The following is an entry in ClinVar:

ClinVar aggregate classification (germline): Conflicting classifications of pathogenicity. Review status: criteria provided, conflicting classifications (1 of 4 stars). 2 submissions from 2 submitters: Uncertain significance (1); Likely benign (1). Last evaluated 2023-03-23.

Conditions:
Hereditary cancer-predisposing syndrome. Also called: Hereditary Cancer Syndrome; Neoplastic Syndromes, Hereditary; Tumor predisposition; Hereditary neoplastic syndrome. Identifiers: Orphanet 140162, MedGen C0027672, MeSH D009386, MONDO:0015356.

Submissions (2):

University of Washington Department of Laboratory Medicine, University of Washington
Classification: Likely benign for Hereditary cancer-predisposing syndrome. Last evaluated: 2023-03-23. Review status: criteria provided, single submitter. Criteria: Dines et al. (Genet Med. 2020). Collection method: curation. Allele origin: germline.
Comment: Missense variant in a coldspot region where missense variants are very unlikely to be pathogenic (PMID:31911673).

BRCA2 exon 11 coldspot. Reclassification based on statistical prior probability.

Ambry Genetics
Classification: Uncertain significance for Hereditary cancer-predisposing syndrome. Last evaluated: 2021-06-03. Review status: criteria provided, single submitter. Criteria: Ambry Variant Classification Scheme 2023. Collection method: clinical testing. Allele origin: germline.
Comment: The p.V1637L variant (also known as c.4909G>C), located in coding exon 10 of the BRCA2 gene, results from a G to C substitution at nucleotide position 4909. The valine at codon 1637 is replaced by leucine, an amino acid with highly similar properties. This amino acid position is not well conserved in available vertebrate species. In addition, this alteration is predicted to be tolerated by in silico analysis. Since supporting evidence is limited at this time, the clinical significance of this alteration remains unclear.

NM_000059.4(BRCA2):c.4909G>C (p.Val1637Leu)

Gene: BRCA2 (BRCA2 DNA repair associated; plus strand). Cytogenetic location: 13q13.1.
Variant type: single nucleotide variant.
Coding change: c.4909G>C on transcript NM_000059.4 (MANE Select); coding-DNA position 4909, G replaced by C.
Protein change: p.Val1637Leu; replaces valine 1637 with leucine.
Molecular consequence: missense variant.
Genome position (GRCh38, 1-based): chr13:32,339,264, G>C. VCF-style: chr13-32339264-G-C. GRCh37 (hg19) VCF-style: chr13-32913401-G-C.
Other names: c.4909G>C, p.Val1637Leu (NM_001406719.1, NM_001406720.1); short protein forms V1637L.
Identifiers: ClinVar variation 1744020 (VCV001744020.4), dbSNP rs2137511522, ClinGen allele CA387783586.
Genomic context (GRCh38, chr13:32,339,264, plus strand): 5'-AGTGATAATTTATGTAGACAAACTGAAAATCTCAAAACATCAAAAAGTATCTTTTTGAAA[G>C]TTAAAGTACATGAAAATGTAGAAAAAGAAACAGCAAAAAGTCCTGCAACTTGTTACACAA-3'
Protein context (NP_000050.3, residues 1627-1647): LKTSKSIFLK[Val1637Leu]KVHENVEKET